The following is an entry in ClinVar:

ClinVar aggregate classification (germline): Uncertain significance (1 of 4 stars; one submission).

Allele frequency attached by ClinVar (database versions not stated): ExAC 0.00002.
gnomAD v4.1: 4 of 1,614,156 alleles (0.00025%); highest among the groups gnomAD compares: South Asian, 0.0044%; no homozygotes.

Submission:

Labcorp Genetics (formerly Invitae), Labcorp
Classification: Uncertain significance. Last evaluated: 2023-10-03. Review status: criteria provided, single submitter. Criteria: Invitae Variant Classification Sherloc (09022015). Collection method: clinical testing. Allele origin: germline.
Comment: This sequence change replaces leucine, which is neutral and non-polar, with phenylalanine, which is neutral and non-polar, at codon 485 of the FZD4 protein (p.Leu485Phe). This variant is present in population databases (rs563169065, gnomAD 0.006%). This variant has not been reported in the literature in individuals affected with FZD4-related conditions. ClinVar contains an entry for this variant (Variation ID: 1969913). Advanced modeling of protein sequence and biophysical properties (such as structural, functional, and spatial information, amino acid conservation, physicochemical variation, residue mobility, and thermodynamic stability) has been performed at Invitae for this missense variant, however the output from this modeling did not meet the statistical confidence thresholds required to predict the impact of this variant on FZD4 protein function. In summary, the available evidence is currently insufficient to determine the role of this variant in disease. Therefore, it has been classified as a Variant of Uncertain Significance.

NM_012193.4(FZD4):c.1455G>T (p.Leu485Phe)

Genes: PRSS23 (serine protease 23; plus strand), FZD4 (frizzled class receptor 4; minus strand). Cytogenetic location: 11q14.2.
Variant type: single nucleotide variant.
Coding change: c.1455G>T on transcript NM_012193.4 (MANE Select); coding-DNA position 1455, G replaced by T.
Protein change: p.Leu485Phe; replaces leucine 485 with phenylalanine.
Molecular consequence: missense variant. On other transcripts: non-coding transcript variant (2).
Genome position (GRCh38, 1-based): chr11:86,951,301, C>A on the plus strand (G>T on the coding strand, the complement: FZD4 is on the minus strand). VCF-style: chr11-86951301-C-A. GRCh37 (hg19) VCF-style: chr11-86662343-C-A.
Other names: short protein forms L485F.
Identifiers: ClinVar variation 1969913 (VCV001969913.5), dbSNP rs563169065, ClinGen allele CA6218319.
Genomic context (GRCh38, chr11:86,951,301, plus strand): 5'-CTGCCACGTGTGAAGAGTTTTGGCAGACCAAATCCACATGCCTGAAGTGATGCCCACCAA[C>A]AAAGACATAAAAATTTTCAACATTTCAACAGCCATGTTGGAATCATCTGCAGAATACCGA-3'
Protein context (NP_036325.2, residues 475-495): AVEMLKIFMS[Leu485Phe]LVGITSGMWI